The following is an entry in ClinVar:

ClinVar aggregate classification (germline): Uncertain significance (1 of 4 stars; one submission).

Conditions:
Evans syndrome, immunodeficiency, and premature immunosenescence associated with tripeptidyl-peptidase II deficiency. Identifiers: MedGen CN231723. Disease mechanism: loss of function.

gnomAD v4.1: 11 of 1,598,496 alleles (0.00069%); highest among the groups gnomAD compares: Non-Finnish European, 0.00094%; no homozygotes.

Submission:

Labcorp Genetics (formerly Invitae), Labcorp
Classification: Uncertain significance for Evans syndrome, immunodeficiency, and premature immunosenescence associated with tripeptidyl-peptidase II deficiency. Last evaluated: 2026-01-21. Review status: criteria provided, single submitter. Criteria: Invitae Variant Classification Sherloc (09022015). Collection method: clinical testing. Allele origin: germline.
Comment: This sequence change falls in intron 12 of the TPP2 gene. It does not directly change the encoded amino acid sequence of the TPP2 protein. It affects a nucleotide within the consensus splice site. The frequency data for this variant in the population databases is considered unreliable, as metrics indicate poor data quality at this position in the gnomAD database. This variant has not been reported in the literature in individuals affected with TPP2-related conditions. Variants that disrupt the consensus splice site are a relatively common cause of aberrant splicing (PMID: 17576681, 9536098). Algorithms developed to predict the effect of sequence changes on RNA splicing suggest that this variant is not likely to affect RNA splicing. In summary, the available evidence is currently insufficient to determine the role of this variant in disease. Therefore, it has been classified as a Variant of Uncertain Significance.

Literature cited by the submitters: PubMed 17576681; PubMed 9536098.

NM_001330588.2(TPP2):c.1509+6G>A

Gene: TPP2 (tripeptidyl peptidase 2; plus strand). Cytogenetic location: 13q33.1.
Variant type: single nucleotide variant.
Coding change: c.1509+6G>A on transcript NM_001330588.2 (MANE Select); 6 bases into the intron after coding-DNA position 1509, G replaced by A.
Molecular consequence: intron variant.
Genome position (GRCh38, 1-based): chr13:102,635,708, G>A. VCF-style: chr13-102635708-G-A. GRCh37 (hg19) VCF-style: chr13-103288058-G-A.
Other names: c.1509+6G>A (NM_001367947.1, NM_003291.4).
Identifiers: ClinVar variation 4775197 (VCV004775197.1).